The following is an entry in ClinVar:

ClinVar aggregate classification (germline): Benign/Likely benign. Review status: criteria provided, multiple submitters, no conflicts (2 of 4 stars). 4 submissions from 4 submitters: Benign (1); Likely benign (2). 1 of the submissions does not count toward it. Last evaluated 2026-06-08.

Conditions:
Hereditary cancer-predisposing syndrome. Also called: Neoplastic Syndromes, Hereditary; Tumor predisposition; Hereditary neoplastic syndrome; Hereditary Cancer Syndrome. Identifiers: Orphanet 140162, MedGen C0027672, MeSH D009386, MONDO:0015356.
Hereditary pheochromocytoma and paraganglioma. Also called: Hereditary paragangliomas and pheochromocytomas; Hereditary pheochromocytoma-paraganglioma; Hereditary Paraganglioma-Pheochromocytoma Syndromes. Identifiers: Orphanet 29072, MedGen C4274332, MONDO:0017366.
MAX-related disorder. Also called: MAX-related condition.
Pheochromocytoma. Also called: MAX-Related Hereditary Paraganglioma-Pheochromocytoma Syndrome. Identifiers: Orphanet 29072, MedGen C0031511, MONDO:0008233, OMIM 171300, HP:0002666.

Allele frequency attached by ClinVar (database versions not stated): gnomAD exomes below 0.00001; ExAC 0.00001.
gnomAD v4.1: 2 of 1,610,840 alleles (0.00012%); highest among the groups gnomAD compares: Non-Finnish European, 0.00017%; no homozygotes.

Submissions (4):

Myriad Genetics, Inc.
Classification: Benign for Pheochromocytoma. Last evaluated: 2026-06-08. Review status: criteria provided, single submitter. Criteria: Myriad Autosomal Dominant, Autosomal Recessive and X-Linked Classification Criteria (2023). Collection method: clinical testing. Allele origin: unknown.
Comment: This variant is considered benign. This variant is a silent/synonymous amino acid change and it is not expected to impact splicing.

Labcorp Genetics (formerly Invitae), Labcorp
Classification: Likely benign for Hereditary pheochromocytoma and paraganglioma. Last evaluated: 2026-01-08. Review status: criteria provided, single submitter. Criteria: Invitae Variant Classification Sherloc (09022015). Collection method: clinical testing. Allele origin: germline.

Ambry Genetics
Classification: Likely benign for Hereditary cancer-predisposing syndrome. Last evaluated: 2019-06-10. Review status: criteria provided, single submitter. Criteria: Ambry Variant Classification Scheme 2023. Collection method: clinical testing. Allele origin: germline.

PreventionGenetics, part of Exact Sciences
Classification: Likely benign for MAX-related condition. Last evaluated: 2024-03-14. Review status: no assertion criteria provided. Collection method: clinical testing. Allele origin: germline. Not counted in ClinVar's aggregate classification.
Comment: This variant is classified as likely benign based on ACMG/AMP sequence variant interpretation guidelines (Richards et al. 2015 PMID: 25741868, with internal and published modifications).

NM_002382.5(MAX):c.141G>A (p.Arg47=)

Genes: MAX (MYC associated transcriptional regulator X; minus strand), MAX-AS1 (MAX antisense RNA 1; plus strand). Cytogenetic location: 14q23.3.
Variant type: single nucleotide variant.
Coding change: c.141G>A on transcript NM_002382.5 (MANE Select); coding-DNA position 141, G replaced by A.
Protein change: p.Arg47=; no amino-acid change (arginine 47 retained).
Molecular consequence: synonymous variant. On other transcripts: non-coding transcript variant (12), 5 prime UTR variant (6), missense variant (1), intron variant (1).
Genome position (GRCh38, 1-based): chr14:65,093,738, C>T on the plus strand (G>A on the coding strand, the complement: MAX is on the minus strand). VCF-style: chr14-65093738-C-T. GRCh37 (hg19) VCF-style: chr14-65560456-C-T.
Other names: c.114G>A, p.Arg38= (NM_001271068.2, NM_001271069.2, NM_001407095.1 and 9 more transcripts); c.-134G>A (NM_001320415.2, NM_001407105.1, NM_001407106.1 and 1 more transcripts); c.141G>A, p.Arg47= (NM_001407094.1, NM_001407096.1, NM_001407097.1 and 5 more transcripts); c.-227G>A (NM_001407111.1, NM_001407112.1); c.164G>A, p.Gly55Glu (NM_001407114.1); c.63+7808G>A (NM_001407098.1); c.141G>A (NM_002382.4); short protein forms G55E.
Identifiers: ClinVar variation 1772229 (VCV001772229.9), dbSNP rs768413473, ClinGen allele CA7232978.